The following is an entry in ClinVar:

ClinVar aggregate classification (germline): Uncertain significance (1 of 4 stars; one submission).

Conditions:
Charcot-Marie-Tooth disease axonal type 2P. Also called: Charcot-Marie-Tooth Neuropathy Type 2G; CHARCOT-MARIE-TOOTH NEUROPATHY, TYPE 2P; CHARCOT-MARIE-TOOTH DISEASE, AXONAL, TYPE 2G; CMT 2G. Identifiers: Orphanet 300319, Orphanet 99941, MedGen C3280797, MONDO:0013753, OMIM 614436.

Submission:

Labcorp Genetics (formerly Invitae), Labcorp
Classification: Uncertain significance for Charcot-Marie-Tooth disease axonal type 2P. Last evaluated: 2020-04-23. Review status: criteria provided, single submitter. Criteria: Invitae Variant Classification Sherloc (09022015). Collection method: clinical testing. Allele origin: germline.
Comment: Algorithms developed to predict the effect of missense changes on protein structure and function are either unavailable or do not agree on the potential impact of this missense change (SIFT: "Deleterious"; PolyPhen-2: "Possibly Damaging"; Align-GVGD: "Class C0"). In summary, the available evidence is currently insufficient to determine the role of this variant in disease. Therefore, it has been classified as a Variant of Uncertain Significance. This sequence change replaces threonine with isoleucine at codon 174 of the LRSAM1 protein (p.Thr174Ile). The threonine residue is highly conserved and there is a moderate physicochemical difference between threonine and isoleucine. This variant is not present in population databases (ExAC no frequency). This variant has not been reported in the literature in individuals with LRSAM1-related conditions.

NM_001005373.4(LRSAM1):c.521C>T (p.Thr174Ile)

Gene: LRSAM1 (leucine rich repeat and sterile alpha motif containing 1; plus strand). Cytogenetic location: 9q33.3.
Variant type: single nucleotide variant.
Coding change: c.521C>T on transcript NM_001005373.4 (MANE Select); coding-DNA position 521, C replaced by T.
Protein change: p.Thr174Ile; replaces threonine 174 with isoleucine.
Molecular consequence: missense variant. On other transcripts: 5 prime UTR variant (1), non-coding transcript variant (2).
Genome position (GRCh38, 1-based): chr9:127,462,366, C>T. VCF-style: chr9-127462366-C-T. GRCh37 (hg19) VCF-style: chr9-130224645-C-T.
Other names: c.521C>T, p.Thr174Ile (NM_001005374.4, NM_001190723.3, NM_001384142.1 and 2 more transcripts); c.-264C>T (NM_001384144.1); short protein forms T174I.
Identifiers: ClinVar variation 1060655 (VCV001060655.9), dbSNP rs2132014659, ClinGen allele CA374928208.